The following is an entry in ClinVar:

NM_153676.4(USH1C):c.378_379insT (p.Gly127fs)

Gene: USH1C (USH1 protein network component harmonin; minus strand). Cytogenetic location: 11p15.1.
Variant type: Insertion.
Coding change: c.378_379insT on transcript NM_153676.4 (MANE Select); coding-DNA positions 378 to 379, T inserted.
Protein change: p.Gly127fs; shifts the reading frame from glycine 127.
Molecular consequence: frameshift variant. On other transcripts: non-coding transcript variant (1).
Genome position: GRCh38 VCF-style: chr11-17531162-C-CA. GRCh37 (hg19) VCF-style: chr11-17552709-C-CA.
Other names: c.378_379insT, p.Gly127fs (NM_001297764.2, NM_005709.4); short protein forms G127fs.
Identifiers: ClinVar variation 3601015 (VCV003601015.1).

ClinVar aggregate classification (germline): Pathogenic (1 of 4 stars; one submission).

Conditions:
Autosomal recessive nonsyndromic hearing loss 18A. Also called: DEAFNESS, AUTOSOMAL RECESSIVE 18; Deafness, autosomal recessive 18A. Identifiers: Orphanet 90636, MedGen C1865870, MONDO:0011192, OMIM 602092.

Submission:

Institute of Rare Diseases, West China Hospital, Sichuan University
Classification: Pathogenic for Autosomal recessive nonsyndromic hearing loss 18A. Last evaluated: 2025-01-09. Review status: criteria provided, single submitter. Criteria: ClinGen HL ACMG Specifications v1. Collection method: research. Allele origin: germline. Affected: yes.
Comment: PVS1;PM3;PM2_Supporting